The following is an entry in ClinVar:

NM_139318.5(KCNH5):c.2006A>G (p.Asn669Ser)

Gene: KCNH5 (potassium voltage-gated channel subfamily H member 5; minus strand). Cytogenetic location: 14q23.2.
Variant type: single nucleotide variant.
Coding change: c.2006A>G on transcript NM_139318.5 (MANE Select); coding-DNA position 2006, A replaced by G.
Protein change: p.Asn669Ser; replaces asparagine 669 with serine.
Molecular consequence: missense variant. On other transcripts: intron variant (1).
Genome position (GRCh38, 1-based): chr14:62,779,741, T>C on the plus strand (A>G on the coding strand, the complement: KCNH5 is on the minus strand). VCF-style: chr14-62779741-T-C. GRCh37 (hg19) VCF-style: chr14-63246459-T-C.
Other names: c.1822+22588A>G (NM_172375.3); short protein forms N669S.
Identifiers: ClinVar variation 2049437 (VCV002049437.4), dbSNP rs2502755136, ClinGen allele CA390099028.

ClinVar aggregate classification (germline): Uncertain significance (1 of 4 stars; one submission).

Conditions:
Early-infantile DEE. Also called: Early infantile epileptic encephalopathy; Ohtahara syndrome; Early infantile epileptic encephalopathy with suppression bursts. Identifiers: Orphanet 1934, MedGen C0393706, MONDO:0800491.

Allele frequency attached by ClinVar (database versions not stated): gnomAD exomes below 0.00001.
gnomAD v4.1: 3 of 1,613,302 alleles (0.00019%); highest among the groups gnomAD compares: Non-Finnish European, 0.00025%; no homozygotes.

Submission:

Labcorp Genetics (formerly Invitae), Labcorp
Classification: Uncertain significance for Early-infantile DEE. Last evaluated: 2026-01-05. Review status: criteria provided, single submitter. Criteria: Invitae Variant Classification Sherloc (09022015). Collection method: clinical testing. Allele origin: germline.
Comment: This sequence change replaces asparagine, which is neutral and polar, with serine, which is neutral and polar, at codon 669 of the KCNH5 protein (p.Asn669Ser). This variant is not present in population databases (gnomAD no frequency). This variant has not been reported in the literature in individuals affected with KCNH5-related conditions. ClinVar contains an entry for this variant (Variation ID: 2049437). Invitae Evidence Modeling of protein sequence and biophysical properties (such as structural, functional, and spatial information, amino acid conservation, physicochemical variation, residue mobility, and thermodynamic stability) indicates that this missense variant is not expected to disrupt KCNH5 protein function with a negative predictive value of 95%. In summary, the available evidence is currently insufficient to determine the role of this variant in disease. Therefore, it has been classified as a Variant of Uncertain Significance.